The following is an entry in ClinVar:

ClinVar aggregate classification (germline): Uncertain significance (1 of 4 stars; one submission).

Conditions:
Schimke immuno-osseous dysplasia (SIOD). Also called: Schimke Immunoosseous Dysplasia. Identifiers: Orphanet 1830, MedGen C0877024, MONDO:0009458, OMIM 242900.

Allele frequency attached by ClinVar (database versions not stated): gnomAD 0.00001; ExAC 0.00002; gnomAD exomes 0.00002.
gnomAD v4.1: 16 of 1,614,018 alleles (0.00099%); highest among the groups gnomAD compares: South Asian, 0.0055%; no homozygotes.

Submission:

Labcorp Genetics (formerly Invitae), Labcorp
Classification: Uncertain significance for Schimke immuno-osseous dysplasia. Last evaluated: 2022-11-22. Review status: criteria provided, single submitter. Criteria: Invitae Variant Classification Sherloc (09022015). Collection method: clinical testing. Allele origin: germline.
Comment: ClinVar contains an entry for this variant (Variation ID: 1003458). This variant has not been reported in the literature in individuals affected with SMARCAL1-related conditions. This variant is present in population databases (rs778972713, gnomAD 0.01%). This sequence change replaces alanine, which is neutral and non-polar, with threonine, which is neutral and polar, at codon 457 of the SMARCAL1 protein (p.Ala457Thr). Advanced modeling of protein sequence and biophysical properties (such as structural, functional, and spatial information, amino acid conservation, physicochemical variation, residue mobility, and thermodynamic stability) performed at Invitae indicates that this missense variant is expected to disrupt SMARCAL1 protein function. In summary, the available evidence is currently insufficient to determine the role of this variant in disease. Therefore, it has been classified as a Variant of Uncertain Significance.

NM_014140.4(SMARCAL1):c.1369G>A (p.Ala457Thr)

Gene: SMARCAL1 (SNF2 related chromatin remodeling annealing helicase 1; plus strand). Cytogenetic location: 2q35.
Variant type: single nucleotide variant.
Coding change: c.1369G>A on transcript NM_014140.4 (MANE Select); coding-DNA position 1369, G replaced by A.
Protein change: p.Ala457Thr; replaces alanine 457 with threonine.
Molecular consequence: missense variant.
Genome position (GRCh38, 1-based): chr2:216,432,752, G>A. VCF-style: chr2-216432752-G-A. GRCh37 (hg19) VCF-style: chr2-217297475-G-A.
Other names: c.1369G>A, p.Ala457Thr (NM_001127207.2); short protein forms A457T.
Identifiers: ClinVar variation 1003458 (VCV001003458.6), dbSNP rs778972713, ClinGen allele CA2097862.